The following is an entry in ClinVar:

ClinVar aggregate classification (germline): Uncertain significance. Review status: criteria provided, multiple submitters, no conflicts (2 of 4 stars). 3 submissions from 3 submitters: Uncertain significance (3). Last evaluated 2022-02-24.

Conditions:
Fanconi anemia complementation group P. Also called: SLX4-Related Fanconi Anemia. Identifiers: Orphanet 84, MedGen C3469542, MONDO:0013499, OMIM 613951.
Fanconi anemia (FA). Also called: Fanconi's anemia. Identifiers: Orphanet 84, MedGen C0015625, MeSH D005199, MONDO:0019391.

Allele frequency attached by ClinVar (database versions not stated): gnomAD exomes 0.00001; ExAC 0.00002; gnomAD 0.00004; TOPMed 0.00004.
gnomAD v4.1: 49 of 1,614,014 alleles (0.003%); highest among the groups gnomAD compares: African/African-American, 0.004%; no homozygotes.

Submissions (3):

Labcorp Genetics (formerly Invitae), Labcorp
Classification: Uncertain significance for Fanconi anemia. Last evaluated: 2022-02-24. Review status: criteria provided, single submitter. Criteria: Invitae Variant Classification Sherloc (09022015). Collection method: clinical testing. Allele origin: germline.
Comment: This sequence change replaces proline, which is neutral and non-polar, with alanine, which is neutral and non-polar, at codon 1208 of the SLX4 protein (p.Pro1208Ala). This variant is present in population databases (rs752941190, gnomAD 0.008%). This variant has not been reported in the literature in individuals affected with SLX4-related conditions. ClinVar contains an entry for this variant (Variation ID: 959364). Algorithms developed to predict the effect of missense changes on protein structure and function output the following: SIFT: "Tolerated"; PolyPhen-2: "Benign"; Align-GVGD: "Class C0". The alanine amino acid residue is found in multiple mammalian species, which suggests that this missense change does not adversely affect protein function. In summary, the available evidence is currently insufficient to determine the role of this variant in disease. Therefore, it has been classified as a Variant of Uncertain Significance.

Fulgent Genetics
Classification: Uncertain significance for Fanconi anemia complementation group P. Last evaluated: 2021-10-05. Review status: criteria provided, single submitter. Criteria: ACMG Guidelines, 2015. Collection method: clinical testing. Allele origin: unknown.

GeneDx
Classification: Uncertain significance. Last evaluated: 2021-04-01. Review status: criteria provided, single submitter. Criteria: GeneDx Variant Classification Process June 2021. Collection method: clinical testing. Allele origin: germline. Affected: yes.
Comment: In silico analysis supports that this missense variant does not alter protein structure/function; Has not been previously published as pathogenic or benign to our knowledge; This variant is associated with the following publications: (PMID: 32546565)

NM_032444.4(SLX4):c.3622C>G (p.Pro1208Ala)

Gene: SLX4 (SLX4 structure-specific endonuclease subunit; minus strand). Cytogenetic location: 16p13.3.
Variant type: single nucleotide variant.
Coding change: c.3622C>G on transcript NM_032444.4 (MANE Select); coding-DNA position 3622, C replaced by G.
Protein change: p.Pro1208Ala; replaces proline 1208 with alanine.
Molecular consequence: missense variant.
Genome position (GRCh38, 1-based): chr16:3,590,016, G>C on the plus strand (C>G on the coding strand, the complement: SLX4 is on the minus strand). VCF-style: chr16-3590016-G-C. GRCh37 (hg19) VCF-style: chr16-3640017-G-C.
Other names: short protein forms P1208A.
Identifiers: ClinVar variation 959364 (VCV000959364.9), dbSNP rs752941190, ClinGen allele CA7865887.
Genomic context (GRCh38, chr16:3,590,016, plus strand): 5'-AGCCCCGATTCTCCGGCAGCGCCCCCTCATCCTCCTGCTGCAGCACAGCTTCGCTTCTTG[G>C]TGGGCTCTGGGAAGGTTCCTGATCTGCATCAACATCAATGATGGAAAACAGCTCACAGGA-3'
Protein context (NP_115820.2, residues 1198-1218): DADQEPSQSP[Pro1208Ala]RSEAVLQQED